The following is an entry in ClinVar:

NM_001170629.2(CHD8):c.4669C>A (p.Pro1557Thr)

Gene: CHD8 (chromodomain helicase DNA binding protein 8; minus strand). Cytogenetic location: 14q11.2.
Variant type: single nucleotide variant.
Coding change: c.4669C>A on transcript NM_001170629.2 (MANE Select); coding-DNA position 4669, C replaced by A.
Protein change: p.Pro1557Thr; replaces proline 1557 with threonine.
Molecular consequence: missense variant.
Genome position (GRCh38, 1-based): chr14:21,400,209, G>T on the plus strand (C>A on the coding strand, the complement: CHD8 is on the minus strand). VCF-style: chr14-21400209-G-T. GRCh37 (hg19) VCF-style: chr14-21868368-G-T.
Other names: c.3832C>A, p.Pro1278Thr (NM_020920.4); short protein forms P1278T, P1557T.
Identifiers: ClinVar variation 4773705 (VCV004773705.1).

ClinVar aggregate classification (germline): Uncertain significance (1 of 4 stars; one submission).

Submission:

Labcorp Genetics (formerly Invitae), Labcorp
Classification: Uncertain significance. Last evaluated: 2025-04-28. Review status: criteria provided, single submitter. Criteria: Invitae Variant Classification Sherloc (09022015). Collection method: clinical testing. Allele origin: germline.
Comment: This sequence change replaces proline, which is neutral and non-polar, with threonine, which is neutral and polar, at codon 1557 of the CHD8 protein (p.Pro1557Thr). This variant is not present in population databases (gnomAD no frequency). This variant has not been reported in the literature in individuals affected with CHD8-related conditions. Invitae Evidence Modeling of protein sequence and biophysical properties (such as structural, functional, and spatial information, amino acid conservation, physicochemical variation, residue mobility, and thermodynamic stability) indicates that this missense variant is expected to disrupt CHD8 protein function with a positive predictive value of 80%. In summary, the available evidence is currently insufficient to determine the role of this variant in disease. Therefore, it has been classified as a Variant of Uncertain Significance.